The following is an entry in ClinVar:

NM_000038.6(APC):c.4693G>T (p.Asp1565Tyr)

Gene: APC (APC regulator of Wnt signaling pathway; plus strand). Cytogenetic location: 5q22.2.
Variant type: single nucleotide variant.
Coding change: c.4693G>T on transcript NM_000038.6 (MANE Select); coding-DNA position 4693, G replaced by T.
Protein change: p.Asp1565Tyr; replaces aspartic acid 1565 with tyrosine.
Molecular consequence: missense variant.
Genome position (GRCh38, 1-based): chr5:112,840,287, G>T. VCF-style: chr5-112840287-G-T. GRCh37 (hg19) VCF-style: chr5-112175984-G-T.
Other names: c.4693G>T, p.Asp1565Tyr (NM_001127510.3, NM_001354895.2); c.4639G>T, p.Asp1547Tyr (NM_001127511.3); c.4747G>T, p.Asp1583Tyr (NM_001354896.2); c.4723G>T, p.Asp1575Tyr (NM_001354897.2); c.4618G>T, p.Asp1540Tyr (NM_001354898.2); c.4609G>T, p.Asp1537Tyr (NM_001354899.2); c.4570G>T, p.Asp1524Tyr (NM_001354900.2); c.4516G>T, p.Asp1506Tyr (NM_001354901.2); and 5 more; short protein forms D1547Y, D1565Y, D1537Y, D1282Y, D1405Y, D1439Y, D1464Y, D1506Y.
Identifiers: ClinVar variation 495363 (VCV000495363.15), dbSNP rs767138124, ClinGen allele CA039605.

ClinVar aggregate classification (germline): Uncertain significance. Review status: criteria provided, multiple submitters, no conflicts (2 of 4 stars). 8 submissions from 8 submitters: Uncertain significance (8). Last evaluated 2024-02-22.

Conditions:
Classic or attenuated familial adenomatous polyposis. Identifiers: MedGen CN372698, MONDO:0021057.
Hereditary cancer-predisposing syndrome. Also called: Hereditary neoplastic syndrome; Tumor predisposition; Hereditary Cancer Syndrome; Neoplastic Syndromes, Hereditary. Identifiers: Orphanet 140162, MedGen C0027672, MeSH D009386, MONDO:0015356.
Familial adenomatous polyposis 1 (FAP1). Also called: FAMILIAL ADENOMATOUS POLYPOSIS 1, ATTENUATED; POLYPOSIS, ADENOMATOUS INTESTINAL. Identifiers: MedGen C2713442, MONDO:0021056, OMIM 175100. Disease mechanism: loss of function.

Allele frequency attached by ClinVar (database versions not stated): gnomAD exomes below 0.00001; ExAC 0.00001.
gnomAD v4.1: 1 of 1,614,152 alleles (0.000062%); highest among the groups gnomAD compares: Non-Finnish European, 0.000085%; no homozygotes.

Submissions (8):

Ambry Genetics
Classification: Uncertain significance for Hereditary cancer-predisposing syndrome. Last evaluated: 2024-02-22. Review status: criteria provided, single submitter. Criteria: Ambry Variant Classification Scheme 2023. Collection method: clinical testing. Allele origin: germline.
Comment: The p.D1565Y variant (also known as c.4693G>T), located in coding exon 15 of the APC gene, results from a G to T substitution at nucleotide position 4693. The aspartic acid at codon 1565 is replaced by tyrosine, an amino acid with highly dissimilar properties. This amino acid position is conserved. In addition, in silico predictors for this gene do not accurately predict pathogenicity. Since supporting evidence is limited at this time, the clinical significance of this alteration remains unclear.

Color Diagnostics, LLC DBA Color Health
Classification: Uncertain significance for Hereditary cancer-predisposing syndrome. Last evaluated: 2023-12-04. Review status: criteria provided, single submitter. Criteria: ACMG Guidelines, 2015. Collection method: clinical testing. Allele origin: germline.
Comment: This missense variant replaces aspartic acid with tyrosine at codon 1565 of the APC protein. Computational prediction suggests that this variant may not impact protein structure and function (internally defined REVEL score threshold <= 0.5, PMID: 27666373). To our knowledge, functional studies have not been reported for this variant. This variant has not been reported in individuals affected with APC-related disorders in the literature. This variant has been identified in 1/250554 chromosomes in the general population by the Genome Aggregation Database (gnomAD). The available evidence is insufficient to determine the role of this variant in disease conclusively. Therefore, this variant is classified as a Variant of Uncertain Significance.

Baylor Genetics
Classification: Uncertain significance for Familial adenomatous polyposis 1. Last evaluated: 2023-10-20. Review status: criteria provided, single submitter. Criteria: ACMG Guidelines, 2015. Collection method: clinical testing. Allele origin: unknown.

All of Us Research Program, National Institutes of Health
Classification: Uncertain significance for Classic or attenuated familial adenomatous polyposis. Last evaluated: 2023-05-08. Review status: criteria provided, single submitter. Criteria: ACMG Guidelines, 2015. Collection method: clinical testing. Allele origin: germline. Inheritance: Autosomal dominant inheritance. Observed: 1 variant allele, 1 heterozygote.
Comment: This study involves interpretation of variants in research participants for the purpose of population health screening. Participant phenotype was not available at the time of variant classification. Additional details can be found in publication PMID: 35346344, PMCID: PMC8962531

Labcorp Genetics (formerly Invitae), Labcorp
Classification: Uncertain significance for Familial adenomatous polyposis 1. Last evaluated: 2023-04-14. Review status: criteria provided, single submitter. Criteria: Invitae Variant Classification Sherloc (09022015). Collection method: clinical testing. Allele origin: germline.
Comment: This sequence change replaces aspartic acid, which is acidic and polar, with tyrosine, which is neutral and polar, at codon 1565 of the APC protein (p.Asp1565Tyr). This variant is present in population databases (rs767138124, gnomAD 0.0009%). In summary, the available evidence is currently insufficient to determine the role of this variant in disease. Therefore, it has been classified as a Variant of Uncertain Significance. Advanced modeling of protein sequence and biophysical properties (such as structural, functional, and spatial information, amino acid conservation, physicochemical variation, residue mobility, and thermodynamic stability) performed at Invitae indicates that this missense variant is not expected to disrupt APC protein function. ClinVar contains an entry for this variant (Variation ID: 495363). This variant has not been reported in the literature in individuals affected with APC-related conditions.

Quest Diagnostics Nichols Institute San Juan Capistrano
Classification: Uncertain significance. Last evaluated: 2020-10-16. Review status: criteria provided, single submitter. Criteria: Quest Diagnostics criteria. Collection method: clinical testing. Allele origin: unknown.

GeneDx
Classification: Uncertain significance. Last evaluated: 2020-02-20. Review status: criteria provided, single submitter. Criteria: GeneDx Variant Classification Process June 2021. Collection method: clinical testing. Allele origin: germline. Affected: yes.
Comment: Not observed at a significant frequency in large population cohorts (Lek 2016); In silico analysis supports that this missense variant does not alter protein structure/function; Has not been previously published as pathogenic or benign to our knowledge

Women's Health and Genetics/Laboratory Corporation of America, LabCorp
Classification: Uncertain significance. Last evaluated: 2016-01-25. Review status: criteria provided, single submitter. Criteria: LabCorp Variant Classification Summary - May 2015. Collection method: clinical testing. Allele origin: germline.